The following is an entry in ClinVar:

ClinVar aggregate classification (germline): Uncertain significance (1 of 4 stars; one submission).

gnomAD v4.1: 5 of 1,614,028 alleles (0.00031%); highest among the groups gnomAD compares: Non-Finnish European, 0.00034%; no homozygotes.

Submission:

Ambry Genetics
Classification: Uncertain significance. Last evaluated: 2024-04-19. Review status: criteria provided, single submitter. Criteria: Ambry Variant Classification Scheme 2023. Collection method: clinical testing. Allele origin: germline.
Comment: The p.D678G variant (also known as c.2033A>G), located in coding exon 10 of the PALLD gene, results from an A to G substitution at nucleotide position 2033. The aspartic acid at codon 678 is replaced by glycine, an amino acid with similar properties. This amino acid position is conserved. In addition, this alteration is predicted to be deleterious by in silico analysis. Since supporting evidence is limited at this time, the clinical significance of this alteration remains unclear.

NM_001166108.2(PALLD):c.2033A>G (p.Asp678Gly)

Gene: PALLD (palladin, cytoskeletal associated protein; plus strand). Cytogenetic location: 4q32.3.
Variant type: single nucleotide variant.
Coding change: c.2033A>G on transcript NM_001166108.2 (MANE Select); coding-DNA position 2033, A replaced by G.
Protein change: p.Asp678Gly; replaces aspartic acid 678 with glycine.
Molecular consequence: missense variant. On other transcripts: 5 prime UTR variant (4).
Genome position (GRCh38, 1-based): chr4:168,890,990, A>G. VCF-style: chr4-168890990-A-G. GRCh37 (hg19) VCF-style: chr4-169812141-A-G.
Other names: c.887A>G, p.Asp296Gly (NM_001166109.2); c.572A>G, p.Asp191Gly (NM_001166110.2); c.-89A>G (NM_001367567.1, NM_001367568.1, NM_001367569.1 and 1 more transcripts); c.2033A>G, p.Asp678Gly (NM_016081.4); short protein forms D191G, D296G, D678G.
Identifiers: ClinVar variation 1784782 (VCV001784782.3), dbSNP rs756756545, ClinGen allele CA358797200.
Genomic context (GRCh38, chr4:168,890,990, plus strand): 5'-CAAAGAAGGCCAGTAGAACTGCTAGAATAGCCTCCGATGAGGAAATTCAAGGCACAAAGG[A>G]TGCTGTTATTCAAGACCTGGAACGAAAACTTCGCTTCAAGGAGGACCTCCTGAACAATGG-3'
Protein context (NP_001159580.1, residues 668-688): ASDEEIQGTK[Asp678Gly]AVIQDLERKL